The following is an entry in ClinVar:

NM_000535.7(PMS2):c.2495C>G (p.Thr832Ser)

Gene: PMS2 (PMS1 homolog 2, mismatch repair system component; minus strand). Cytogenetic location: 7p22.1.
Variant type: single nucleotide variant.
Coding change: c.2495C>G on transcript NM_000535.7 (MANE Select); coding-DNA position 2495, C replaced by G.
Protein change: p.Thr832Ser; replaces threonine 832 with serine.
Molecular consequence: missense variant. On other transcripts: non-coding transcript variant (1).
Genome position (GRCh38, 1-based): chr7:5,973,493, G>C on the plus strand (C>G on the coding strand, the complement: PMS2 is on the minus strand). VCF-style: chr7-5973493-G-C. GRCh37 (hg19) VCF-style: chr7-6013124-G-C.
Other names: c.2123C>G, p.Thr708Ser (NM_001322009.2, NM_001406887.1, NM_001406888.1); c.1934C>G, p.Thr645Ser (NM_001322010.2, NM_001406906.1, NM_001406907.1); c.1562C>G, p.Thr521Ser (NM_001322011.2, NM_001322012.2); c.1922C>G, p.Thr641Ser (NM_001322013.2, NM_001406908.1, NM_001406909.1); c.2528C>G, p.Thr843Ser (NM_001322014.2); c.2186C>G, p.Thr729Ser (NM_001322015.2, NM_001406879.1, NM_001406880.1 and 4 more transcripts); c.2681C>G, p.Thr894Ser (NM_001406866.1); c.2519C>G, p.Thr840Ser (NM_001406868.1); and 20 more; short protein forms T575S, T641S, T677S, T708S, T710S, T729S, T796S, T832S.
Identifiers: ClinVar variation 2817230 (VCV002817230.3), dbSNP rs2128658339, ClinGen allele CA366734937.

ClinVar aggregate classification (germline): Uncertain significance (1 of 4 stars; one submission).

Conditions:
Hereditary nonpolyposis colorectal neoplasms. Identifiers: MedGen C0009405, MeSH D003123.

Submission:

Labcorp Genetics (formerly Invitae), Labcorp
Classification: Uncertain significance for Hereditary nonpolyposis colorectal neoplasms. Last evaluated: 2022-11-29. Review status: criteria provided, single submitter. Criteria: Invitae Variant Classification Sherloc (09022015). Collection method: clinical testing. Allele origin: germline.
Comment: This variant has not been reported in the literature in individuals affected with PMS2-related conditions. In summary, the available evidence is currently insufficient to determine the role of this variant in disease. Therefore, it has been classified as a Variant of Uncertain Significance. Advanced modeling of protein sequence and biophysical properties (such as structural, functional, and spatial information, amino acid conservation, physicochemical variation, residue mobility, and thermodynamic stability) performed at Invitae indicates that this missense variant is not expected to disrupt PMS2 protein function. The frequency data for this variant in the population databases (gnomAD) is considered unreliable due to the presence of homologous sequence, such as pseudogenes or paralogs, in the genome. This sequence change replaces threonine, which is neutral and polar, with serine, which is neutral and polar, at codon 832 of the PMS2 protein (p.Thr832Ser).